The following is an entry in ClinVar:

ClinVar aggregate classification (germline): Uncertain significance (1 of 4 stars; one submission).

Submission:

Ambry Genetics
Classification: Uncertain significance. Last evaluated: 2024-06-19. Review status: criteria provided, single submitter. Criteria: Ambry Variant Classification Scheme 2023. Collection method: clinical testing. Allele origin: germline.
Comment: The p.V1757I variant (also known as c.5269G>A), located in coding exon 16 of the POLQ gene, results from a G to A substitution at nucleotide position 5269. The valine at codon 1757 is replaced by isoleucine, an amino acid with highly similar properties. This amino acid position is conserved. In addition, this alteration is predicted to be tolerated by in silico analysis. Based on the available evidence, the clinical significance of this variant remains unclear.

NM_199420.4(POLQ):c.5269G>A (p.Val1757Ile)

Gene: POLQ (DNA polymerase theta; minus strand). Cytogenetic location: 3q13.33.
Variant type: single nucleotide variant.
Coding change: c.5269G>A on transcript NM_199420.4 (MANE Select); coding-DNA position 5269, G replaced by A.
Protein change: p.Val1757Ile; replaces valine 1757 with isoleucine.
Molecular consequence: missense variant.
Genome position (GRCh38, 1-based): chr3:121,487,662, C>T on the plus strand (G>A on the coding strand, the complement: POLQ is on the minus strand). VCF-style: chr3-121487662-C-T. GRCh37 (hg19) VCF-style: chr3-121206509-C-T.
Other names: short protein forms V1757I.
Identifiers: ClinVar variation 3308572 (VCV003308572.1).